The following is an entry in ClinVar:

ClinVar aggregate classification (germline): Likely pathogenic (1 of 4 stars; one submission).

Submission:

GeneDx
Classification: Likely pathogenic. Last evaluated: 2016-03-15. Review status: criteria provided, single submitter. Criteria: GeneDx Variant Classification (06012015). Collection method: clinical testing. Allele origin: germline. Affected: yes.
Comment: The G579V variant has been published previously in association with X-linked hypophosphatemic rickets (Holm et al., 1997). The variant was not observed in approximately 6,500 individuals of European and African American ancestry in the NHLBI Exome Sequencing Project, indicating it is not a common benign variant in these populations. G579V is a conservative amino acid substitution, which is not likely to impact secondary protein structure as these residues share similar properties. However, this substitution occurs at a position that is conserved across species, and in silico analysis predicts this variant is probably damaging to the protein structure/function. Additionally, functional studies have shown that G579V impairs the proper cellular trafficking of the PHEX protein (Sabbagh et al., 2003). Therefore, this variant is likely pathogenic.

NM_000444.6(PHEX):c.1736G>T (p.Gly579Val)

Genes: PHEX (phosphate regulating endopeptidase homolog X-linked; plus strand), PTCHD1-AS (PTCHD1 antisense RNA (head to head); minus strand). Cytogenetic location: Xp22.11.
Variant type: single nucleotide variant.
Coding change: c.1736G>T on transcript NM_000444.6 (MANE Select); coding-DNA position 1736, G replaced by T.
Protein change: p.Gly579Val; replaces glycine 579 with valine.
Molecular consequence: missense variant.
Genome position (GRCh38, 1-based): chrX:22,219,071, G>T. VCF-style: chrX-22219071-G-T. GRCh37 (hg19) VCF-style: chrX-22237188-G-T.
Other names: c.1736G>T, p.Gly579Val (NM_001282754.2); short protein forms G579V.
Identifiers: ClinVar variation 372777 (VCV000372777.1), dbSNP rs1057517980, ClinGen allele CA16043217.